The following is an entry in ClinVar:

ClinVar aggregate classification (germline): Uncertain significance. Review status: criteria provided, multiple submitters, no conflicts (2 of 4 stars). 2 submissions from 2 submitters: Uncertain significance (2). Last evaluated 2025-08-20.

Conditions:
Inborn genetic diseases. Identifiers: MedGen C0950123, MeSH D030342.

Allele frequency attached by ClinVar (database versions not stated): TOPMed below 0.00001; gnomAD 0.00001; gnomAD exomes 0.00001 and 0.00002; ExAC 0.00003; 1000 Genomes Project 30x 0.00016; 1000 Genomes Project 0.00020.
gnomAD v4.1: 18 of 1,612,264 alleles (0.0011%); highest among the groups gnomAD compares: South Asian, 0.0066%; no homozygotes.

Submissions (2):

Ambry Genetics
Classification: Uncertain significance for Inborn genetic diseases. Last evaluated: 2025-08-20. Review status: criteria provided, single submitter. Criteria: Ambry Variant Classification Scheme 2023. Collection method: clinical testing. Allele origin: germline.

GeneDx
Classification: Uncertain significance. Last evaluated: 2020-01-14. Review status: criteria provided, single submitter. Criteria: GeneDx Variant Classification Process June 2021. Collection method: clinical testing. Allele origin: germline. Affected: yes.
Comment: In silico analysis, which includes protein predictors and evolutionary conservation, supports that this variant does not alter protein structure/function; In silico splice predictors are inconclusive as to whether the variant alters gene splicing. In the absence of RNA/functional studies, the actual effect of this sequence change is unknown.; Has not been previously published as pathogenic or benign to our knowledge

NM_000095.3(COMP):c.1471G>A (p.Gly491Ser)

Gene: COMP (cartilage oligomeric matrix protein; minus strand). Cytogenetic location: 19p13.11.
Variant type: single nucleotide variant.
Coding change: c.1471G>A on transcript NM_000095.3 (MANE Select); coding-DNA position 1471, G replaced by A.
Protein change: p.Gly491Ser; replaces glycine 491 with serine.
Molecular consequence: missense variant.
Genome position (GRCh38, 1-based): chr19:18,785,983, C>T on the plus strand (G>A on the coding strand, the complement: COMP is on the minus strand). VCF-style: chr19-18785983-C-T. GRCh37 (hg19) VCF-style: chr19-18896793-C-T.
Other names: short protein forms G491S.
Identifiers: ClinVar variation 1312545 (VCV001312545.3), dbSNP rs541996591, ClinGen allele CA9316413.